The following is an entry in ClinVar:

ClinVar aggregate classification (germline): Uncertain significance (1 of 4 stars; one submission).

Allele frequency attached by ClinVar (database versions not stated): gnomAD exomes below 0.00001; TOPMed 0.00001; ExAC 0.00002.
gnomAD v4.1: 5 of 1,613,656 alleles (0.00031%); highest among the groups gnomAD compares: Admixed American, 0.0067%; no homozygotes.

Submission:

Labcorp Genetics (formerly Invitae), Labcorp
Classification: Uncertain significance. Last evaluated: 2025-03-10. Review status: criteria provided, single submitter. Criteria: Invitae Variant Classification Sherloc (09022015). Collection method: clinical testing. Allele origin: germline.
Comment: This sequence change replaces isoleucine, which is neutral and non-polar, with valine, which is neutral and non-polar, at codon 77 of the CACNA1E protein (p.Ile77Val). This variant is present in population databases (rs766557860, gnomAD 0.01%). This variant has not been reported in the literature in individuals affected with CACNA1E-related conditions. ClinVar contains an entry for this variant (Variation ID: 2066842). Invitae Evidence Modeling of protein sequence and biophysical properties (such as structural, functional, and spatial information, amino acid conservation, physicochemical variation, residue mobility, and thermodynamic stability) has been performed for this missense variant. However, the output from this modeling did not meet the statistical confidence thresholds required to predict the impact of this variant on CACNA1E protein function. In summary, the available evidence is currently insufficient to determine the role of this variant in disease. Therefore, it has been classified as a Variant of Uncertain Significance.

NM_001205293.3(CACNA1E):c.229A>G (p.Ile77Val)

Gene: CACNA1E (calcium voltage-gated channel subunit alpha1 E; plus strand). Cytogenetic location: 1q25.3.
Variant type: single nucleotide variant.
Coding change: c.229A>G on transcript NM_001205293.3 (MANE Select); coding-DNA position 229, A replaced by G.
Protein change: p.Ile77Val; replaces isoleucine 77 with valine.
Molecular consequence: missense variant.
Genome position (GRCh38, 1-based): chr1:181,483,973, A>G. VCF-style: chr1-181483973-A-G. GRCh37 (hg19) VCF-style: chr1-181453109-A-G.
Other names: c.229A>G, p.Ile77Val (NM_000721.4, NM_001205294.2); short protein forms I77V.
Identifiers: ClinVar variation 2066842 (VCV002066842.4), dbSNP rs766557860, ClinGen allele CA1274850.